The following is an entry in ClinVar:

NM_007294.4(BRCA1):c.3255_3259del (p.Leu1086fs)

Genes: BRCA1 (BRCA1 DNA repair associated; minus strand), LOC126862571 (BRD4-independent group 4 enhancer GRCh37_chr17:41243136-41244335; plus strand). Cytogenetic location: 17q21.31.
Variant type: Deletion.
Coding change: c.3255_3259del on transcript NM_007294.4 (MANE Select); coding-DNA positions 3255 to 3259, 5 bases deleted (ATTAG; older notation c.3255_3259delATTAG).
Protein change: p.Leu1086fs; shifts the reading frame from leucine 1086.
Molecular consequence: frameshift variant. On other transcripts: intron variant (137).
Genome position (GRCh38, 1-based): chr17:43,092,272-43,092,276, CTAAT deleted on the plus strand (ATTAG on the coding strand, the reverse complement: BRCA1 is on the minus strand); deleting any 5 consecutive bases within chr17:43,092,272-43,092,280 gives the same sequence; the c. name uses the placement nearest the transcript's 3' end. VCF-style (leftmost placement, unchanged base first): chr17-43092271-CCTAAT-C. GRCh37 (hg19) VCF-style: chr17-41244288-CCTAAT-C.
Other names: c.788-1244_788-1240del (NM_001407977.1, NM_001407970.1, NM_001407982.1 and 17 more transcripts); c.3045_3049del, p.Leu1016fs (NM_001407887.1, NM_001407889.1, NM_001407900.1 and 13 more transcripts); c.3042_3046del, p.Leu1015fs (NM_001407894.1, NM_001407895.1, NM_001407896.1 and 9 more transcripts); c.647-1244_647-1240del (NM_001408410.1, NM_001408458.1, NM_001408469.1 and 11 more transcripts); c.710-1244_710-1240del (NM_001408415.1, NM_001408412.1, NM_001408409.1 and 2 more transcripts); c.578-1244_578-1240del (NM_001408483.1, NM_001408481.1, NM_001408480.1 and 9 more transcripts); c.665-1244_665-1240del (NM_001408442.1, NM_001408426.1, NM_001408436.1 and 12 more transcripts); c.3255_3259del, p.Leu1086fs (NM_001407581.1, NM_001407582.1, NM_001407583.1 and 30 more transcripts); and 41 more; short protein forms L1015fs, L1044fs, L1059fs, L1085fs, L958fs, L998fs, L1018fs, L1045fs.
Identifiers: ClinVar variation 3647539 (VCV003647539.2).
Genomic context (GRCh38, chr17:43,092,271, plus strand): 5'-TCAGGATGCTTACAATTACTTCCAGGAAGACTTTGTTTATAGACCTCAGGTTGCAAAACC[CCTAAT>C]CTAAGCATAGCATTCAATTTTGGCCCTCTGTTTCTACCTAGTTCTGCTTGAATGTTTTCA-3'

ClinVar aggregate classification (germline): Pathogenic (1 of 4 stars; one submission).

Conditions:
Hereditary breast ovarian cancer syndrome. Also called: Hereditary breast and ovarian cancer syndrome (HBOC); Hereditary breast and ovarian cancer; BRCA1- and BRCA2-Associated Hereditary Breast and Ovarian Cancer; Hereditary breast and ovarian cancer syndrome; Hereditary breast and/or ovarian cancer syndrome; Breast and ovarian cancer. Identifiers: Orphanet 145, MedGen C0677776, MeSH D061325, MONDO:0003582. Disease mechanism: loss of function.

Submission:

Labcorp Genetics (formerly Invitae), Labcorp
Classification: Pathogenic for Hereditary breast ovarian cancer syndrome. Last evaluated: 2024-03-25. Review status: criteria provided, single submitter. Criteria: Invitae Variant Classification Sherloc (09022015). Collection method: clinical testing. Allele origin: germline.
Comment: This sequence change creates a premature translational stop signal (p.Leu1086Glyfs*5) in the BRCA1 gene. It is expected to result in an absent or disrupted protein product. Loss-of-function variants in BRCA1 are known to be pathogenic (PMID: 20104584). This variant is not present in population databases (gnomAD no frequency). This variant has not been reported in the literature in individuals affected with BRCA1-related conditions. For these reasons, this variant has been classified as Pathogenic.

Literature cited by the submitters: PubMed 20104584.